The following is an entry in ClinVar:

NM_025074.7(FRAS1):c.784G>A (p.Gly262Arg)

Gene: FRAS1 (Fraser extracellular matrix complex subunit 1; plus strand). Cytogenetic location: 4q21.21.
Variant type: single nucleotide variant.
Coding change: c.784G>A on transcript NM_025074.7 (MANE Select); coding-DNA position 784, G replaced by A.
Protein change: p.Gly262Arg; replaces glycine 262 with arginine.
Molecular consequence: missense variant.
Genome position (GRCh38, 1-based): chr4:78,266,930, G>A. VCF-style: chr4-78266930-G-A. GRCh37 (hg19) VCF-style: chr4-79188084-G-A.
Other names: c.784G>A, p.Gly262Arg (NM_001166133.2); short protein forms G262R.
Identifiers: ClinVar variation 1028866 (VCV001028866.2), dbSNP rs576372683, ClinGen allele CA2976072.

ClinVar aggregate classification (germline): Uncertain significance. Review status: criteria provided, multiple submitters, no conflicts (2 of 4 stars). 2 submissions from 2 submitters: Uncertain significance (2). Last evaluated 2024-07-02.

Conditions:
Inborn genetic diseases. Identifiers: MedGen C0950123, MeSH D030342.
Fraser syndrome 1 (FRASRS1). Also called: CRYPTOPHTHALMOS WITH OTHER MALFORMATIONS. Identifiers: Orphanet 2052, MedGen C4551480, MONDO:0054737, OMIM 219000.

Allele frequency attached by ClinVar (database versions not stated): gnomAD 0.00001 and 0.00003; ExAC 0.00002; gnomAD exomes 0.00003; TOPMed 0.00005; 1000 Genomes Project 30x 0.00016; 1000 Genomes Project 0.00020.
gnomAD v4.1: 49 of 1,599,862 alleles (0.0031%); highest among the groups gnomAD compares: South Asian, 0.031%; no homozygotes.

Submissions (2):

Ambry Genetics
Classification: Uncertain significance for Inborn genetic diseases. Last evaluated: 2024-07-02. Review status: criteria provided, single submitter. Criteria: Ambry Variant Classification Scheme 2023. Collection method: clinical testing. Allele origin: germline.

Baylor Genetics
Classification: Uncertain significance for Fraser syndrome 1. Last evaluated: 2020-01-02. Review status: criteria provided, single submitter. Criteria: ACMG Guidelines, 2015. Collection method: clinical testing. Allele origin: unknown. Affected: yes.
Comment: This variant was determined to be of uncertain significance according to ACMG Guidelines, 2015 [PMID:25741868].